The following is an entry in ClinVar:

ClinVar aggregate classification (germline): Conflicting classifications of pathogenicity. Review status: criteria provided, conflicting classifications (1 of 4 stars). 3 submissions from 3 submitters: Uncertain significance (2); Likely benign (1). Last evaluated 2025-07-26.

Conditions:
Usher syndrome type 2C. Also called: USHER SYNDROME, TYPE IIC; Usher syndrome, type 2B. Identifiers: Orphanet 231178, Orphanet 886, MedGen C2931213, MONDO:0011558, OMIM 605472.
ADGRV1-related disorder. Also called: ADGRV1-related disorders; ADGRV1-related condition.

gnomAD v4.1: 17 of 1,583,198 alleles (0.0011%); highest among the groups gnomAD compares: African/African-American, 0.022%; no homozygotes.

Submissions (3):

PreventionGenetics, part of Exact Sciences
Classification: Likely benign for ADGRV1-related condition. Last evaluated: 2025-07-26. Review status: criteria provided, single submitter. Criteria: ACMG Guidelines, 2015. Collection method: clinical testing. Allele origin: germline.
Comment: This variant is classified as likely benign based on ACMG/AMP sequence variant interpretation guidelines (Richards et al. 2015 PMID: 25741868, with internal and published modifications).

Labcorp Genetics (formerly Invitae), Labcorp
Classification: Uncertain significance. Last evaluated: 2022-10-17. Review status: criteria provided, single submitter. Criteria: Invitae Variant Classification Sherloc (09022015). Collection method: clinical testing. Allele origin: germline.
Comment: This sequence change falls in intron 22 of the ADGRV1 gene. It does not directly change the encoded amino acid sequence of the ADGRV1 protein. It affects a nucleotide within the consensus splice site. This variant is present in population databases (rs770299827, gnomAD 0.03%). This variant has not been reported in the literature in individuals affected with ADGRV1-related conditions. ClinVar contains an entry for this variant (Variation ID: 905700). Variants that disrupt the consensus splice site are a relatively common cause of aberrant splicing (PMID: 17576681, 9536098). Algorithms developed to predict the effect of sequence changes on RNA splicing suggest that this variant is not likely to affect RNA splicing. In summary, the available evidence is currently insufficient to determine the role of this variant in disease. Therefore, it has been classified as a Variant of Uncertain Significance.

Illumina Laboratory Services, Illumina
Classification: Uncertain significance for Usher syndrome type 2C. Last evaluated: 2018-01-13. Review status: criteria provided, single submitter. Criteria: ICSL Variant Classification Criteria 13 December 2019. Collection method: clinical testing. Allele origin: germline.

Literature cited by the submitters: PubMed 17576681 (cited by Labcorp Genetics (formerly Invitae), Labcorp); PubMed 9536098 (cited by Labcorp Genetics (formerly Invitae), Labcorp).

NM_032119.4(ADGRV1):c.4929+6C>A

Gene: ADGRV1 (adhesion G protein-coupled receptor V1; plus strand). Cytogenetic location: 5q14.3.
Variant type: single nucleotide variant.
Coding change: c.4929+6C>A on transcript NM_032119.4 (MANE Select); 6 bases into the intron after coding-DNA position 4929, C replaced by A.
Molecular consequence: intron variant.
Genome position (GRCh38, 1-based): chr5:90,672,728, C>A. VCF-style: chr5-90672728-C-A. GRCh37 (hg19) VCF-style: chr5-89968545-C-A.
Identifiers: ClinVar variation 905700 (VCV000905700.8), dbSNP rs770299827, ClinGen allele CA3339439.